The following is an entry in ClinVar:

ClinVar aggregate classification (germline): Uncertain significance (1 of 4 stars; one submission).

Conditions:
Progressive myoclonic epilepsy. Also called: Familial progressive myoclonic epilepsy; Myoclonus epilepsy; Progressive myoclonus epilepsy; Myoclonic Epilepsies, Progressive. Identifiers: Orphanet 308, Orphanet 98261, MedGen C0751778, MONDO:0020074.

Submission:

Labcorp Genetics (formerly Invitae), Labcorp
Classification: Uncertain significance for Progressive myoclonic epilepsy. Last evaluated: 2020-06-03. Review status: criteria provided, single submitter. Criteria: Invitae Variant Classification Sherloc (09022015). Collection method: clinical testing. Allele origin: germline.
Comment: In summary, the available evidence is currently insufficient to determine the role of this variant in disease. Therefore, it has been classified as a Variant of Uncertain Significance. Algorithms developed to predict the effect of missense changes on protein structure and function are either unavailable or do not agree on the potential impact of this missense change (SIFT: "Tolerated"; PolyPhen-2: "Possibly Damaging"; Align-GVGD: "Class C0"). This variant has not been reported in the literature in individuals with CSTB-related conditions. This variant is not present in population databases (ExAC no frequency). This sequence change replaces lysine with glutamic acid at codon 34 of the CSTB protein (p.Lys34Glu). The lysine residue is highly conserved and there is a small physicochemical difference between lysine and glutamic acid.

NM_000100.4(CSTB):c.100A>G (p.Lys34Glu)

Gene: CSTB (cystatin B; minus strand). Cytogenetic location: 21q22.3.
Variant type: single nucleotide variant.
Coding change: c.100A>G on transcript NM_000100.4 (MANE Select); coding-DNA position 100, A replaced by G.
Protein change: p.Lys34Glu; replaces lysine 34 with glutamic acid.
Molecular consequence: missense variant.
Genome position (GRCh38, 1-based): chr21:43,774,726, T>C on the plus strand (A>G on the coding strand, the complement: CSTB is on the minus strand). VCF-style: chr21-43774726-T-C. GRCh37 (hg19) VCF-style: chr21-45194607-T-C.
Other names: short protein forms K34E.
Identifiers: ClinVar variation 1000194 (VCV001000194.8), dbSNP rs2084002121, ClinGen allele CA410408407.